The following is an entry in ClinVar:

NM_016203.4(PRKAG2):c.1226A>C (p.Gln409Pro)

Gene: PRKAG2 (protein kinase AMP-activated non-catalytic subunit gamma 2; minus strand). Cytogenetic location: 7q36.1.
Variant type: single nucleotide variant.
Coding change: c.1226A>C on transcript NM_016203.4 (MANE Select); coding-DNA position 1226, A replaced by C.
Protein change: p.Gln409Pro; replaces glutamine 409 with proline.
Molecular consequence: missense variant.
Genome position (GRCh38, 1-based): chr7:151,568,723, T>G on the plus strand (A>C on the coding strand, the complement: PRKAG2 is on the minus strand). VCF-style: chr7-151568723-T-G. GRCh37 (hg19) VCF-style: chr7-151265809-T-G.
Other names: c.938A>C, p.Gln313Pro (NM_001407030.1); c.935A>C, p.Gln312Pro (NM_001407031.1); c.908A>C, p.Gln303Pro (NM_001407032.1); c.902A>C, p.Gln301Pro (NM_001407033.1); c.503A>C, p.Gln168Pro (NM_001407034.1, NM_001407035.1, NM_001304531.2 and 1 more transcripts); c.500A>C, p.Gln167Pro (NM_001407036.1, NM_001407039.1, NM_001407040.1); c.563A>C, p.Gln188Pro (NM_001407037.1); c.551A>C, p.Gln184Pro (NM_001407038.1); and 7 more; short protein forms Q167P, Q168P, Q184P, Q188P, Q284P, Q285P, Q301P, Q303P.
Identifiers: ClinVar variation 3387525 (VCV003387525.2).

ClinVar aggregate classification (germline): Uncertain significance. Review status: criteria provided, multiple submitters, no conflicts (2 of 4 stars). 2 submissions from 2 submitters: Uncertain significance (2). Last evaluated 2026-05-23.

Conditions:
Hypertrophic cardiomyopathy. Also called: HYPERTROPHIC MYOCARDIOPATHY. Identifiers: Orphanet 217569, MedGen C0007194, MeSH D002312, MONDO:0005045, HP:0001639.
Cardiovascular phenotype. Identifiers: MedGen CN230736.

Submissions (2):

Ambry Genetics
Classification: Uncertain significance for Cardiovascular phenotype. Last evaluated: 2026-05-23. Review status: criteria provided, single submitter. Criteria: Ambry Variant Classification Scheme 2023. Collection method: clinical testing. Allele origin: germline.
Comment: The p.Q409P variant (also known as c.1226A>C), located in coding exon 11 of the PRKAG2 gene, results from an A to C substitution at nucleotide position 1226. The glutamine at codon 409 is replaced by proline, an amino acid with similar properties. This amino acid position is conserved. In addition, this alteration is predicted to be deleterious by in silico analysis. Based on the available evidence, the clinical significance of this variant remains unclear.

All of Us Research Program, National Institutes of Health
Classification: Uncertain significance for Hypertrophic cardiomyopathy. Last evaluated: 2024-08-13. Review status: criteria provided, single submitter. Criteria: ACMG Guidelines, 2015. Collection method: clinical testing. Allele origin: germline. Inheritance: Autosomal dominant inheritance. Observed: 1 variant allele, 1 heterozygote.
Comment: This missense variant replaces glutamine with proline at codon 409 of the PRKAG2 protein. Computational prediction suggests that this variant may have deleterious impact on protein structure and function (internally defined REVEL score threshold >= 0.7, PMID: 27666373). To our knowledge, functional studies have not been reported for this variant. This variant has not been reported in individuals affected with PRKAG2-related disorders in the literature. This variant has not been identified in the general population by the Genome Aggregation Database (gnomAD). The available evidence is insufficient to determine the role of this variant in disease conclusively. Therefore, this variant is classified as a Variant of Uncertain Significance.

This study involves interpretation of variants in research participants for the purpose of population health screening. Participant phenotype was not available at the time of variant classification. Additional details can be found in publication PMID: 35346344, PMCID: PMC8962531